The following is an entry in ClinVar:

NC_000017.11:g.31169891del

Gene: NF1 (neurofibromin 1; plus strand). Cytogenetic location: 17q11.2.
Variant type: Deletion.
Genome position: GRCh38 VCF-style: chr17-31169889-AG-A. GRCh37 (hg19) VCF-style: chr17-29496907-AG-A.
Identifiers: ClinVar variation 648269 (VCV000648269.7), dbSNP rs1597643722, ClinGen allele CA499201310.

ClinVar aggregate classification (germline): Pathogenic (1 of 4 stars; one submission).

Conditions:
Neurofibromatosis, type 1 (NF1). Also called: NEUROFIBROMATOSIS, TYPE I, SOMATIC; Neurofibromatosis, type I; Peripheral type neurofibromatosis; VON RECKLINGHAUSEN DISEASE. Identifiers: Orphanet 636, MedGen C0027831, MONDO:0018975, OMIM 162200. Disease mechanism: loss of function.

Submission:

Labcorp Genetics (formerly Invitae), Labcorp
Classification: Pathogenic for Neurofibromatosis, type 1. Last evaluated: 2018-11-04. Review status: criteria provided, single submitter. Criteria: Invitae Variant Classification Sherloc (09022015). Collection method: clinical testing. Allele origin: germline.
Comment: For these reasons, this variant has been classified as Pathogenic. Loss-of-function variants in NF1 are known to be pathogenic (PMID: 10712197, 23913538). Algorithms developed to predict the effect of sequence changes on RNA splicing suggest that this variant may disrupt the consensus splice site, but this prediction has not been confirmed by published transcriptional studies. This variant has not been reported in the literature in individuals with NF1-related disease. This variant is not present in population databases (ExAC no frequency). This sequence change creates a premature translational stop signal (p.Arg160Serfs*5) in the NF1 gene. It is expected to result in an absent or disrupted protein product.

Literature cited by the submitters: PubMed 10712197; PubMed 23913538.